The following is an entry in ClinVar:

ClinVar aggregate classification (germline): Pathogenic (1 of 4 stars; one submission).

Conditions:
Fabry disease. Also called: ALPHA-GALACTOSIDASE A DEFICIENCY; ANDERSON-FABRY DISEASE; CERAMIDE TRIHEXOSIDASE DEFICIENCY; GLA DEFICIENCY; HEREDITARY DYSTOPIC LIPIDOSIS; Angiokeratoma corporis diffusum. Identifiers: Orphanet 324, MedGen C0002986, MONDO:0010526, OMIM 301500, HP:0001071. Disease mechanism: Fabry disease is due to inactivating mutations in the X-linked GLA gene resulting in deficiency of the enzyme Alpha Galactosidase-A., loss of function.

Submission:

Genomenon, Inc
Classification: Pathogenic for Fabry disease. Last evaluated: 2026-09-08. Review status: criteria provided, single submitter. Criteria: Genomenon Sequence Variant Interpretation Standards - Updated. Collection method: curation. Allele origin: germline. Affected: yes.
Comment: GLA p.Cys90Ter (c.270del) is a nonsense variant that introduces a premature stop codon at amino acid position 90 and is predicted to result in a truncated or absent protein product. This variant has been observed in at least one proband with clinical features consistent with Fabry disease (PMID:19346951). It is absent or not present at a significant frequency in gnomAD. In conclusion, we classify GLA p.Cys90Ter (c.270del) as a pathogenic variant.

Literature cited by the submitters: PubMed 19346951.

NM_000169.3(GLA):c.270del (p.Leu89_Cys90insTer)

Genes: GLA (galactosidase alpha; minus strand), RPL36A-HNRNPH2 (RPL36A-HNRNPH2 readthrough; plus strand). Cytogenetic location: Xq22.1.
Variant type: Deletion.
Coding change: c.270del on transcript NM_000169.3 (MANE Select); coding-DNA position 270, one base deleted (C; older notation c.270delC).
Protein change: p.Leu89_Cys90insTer.
Molecular consequence: nonsense. On other transcripts: non-coding transcript variant (3), intron variant (2).
Genome position (GRCh38, 1-based): chrX:101,403,910, G deleted on the plus strand (C on the coding strand, the reverse complement: GLA is on the minus strand). VCF-style (leftmost placement, unchanged base first): chrX-101403909-TG-T. GRCh37 (hg19) VCF-style: chrX-100658897-TG-T.
Other names: c.393del, p.Leu130_Cys131insTer (NM_001406747.1, NM_001406749.1); c.270del, p.Leu89_Cys90insTer (NM_001406748.1); c.301-8026del (NM_001199973.2); c.178-8026del (NM_001199974.2).
Identifiers: ClinVar variation 4087147 (VCV004087147.2).
Genomic context (GRCh38, chrX:101,403,909, plus strand): 5'-GAGGGTCTGCCTGAAGTCTGCCTTCTGAATCTCTTTGGGGAGCCATCCAACAGTCATCAA[TG>T]CAGAGGTACTCATAACCTGCATCCTTCCAGCCTTCTGAGACCATGAGCTCTGCCATCTCC-3'